The following is an entry in ClinVar:

NM_005228.5(EGFR):c.2914G>A (p.Ala972Thr)

Gene: EGFR (epidermal growth factor receptor; plus strand). Cytogenetic location: 7p11.2.
Variant type: single nucleotide variant.
Coding change: c.2914G>A on transcript NM_005228.5 (MANE Select); coding-DNA position 2914, G replaced by A.
Protein change: p.Ala972Thr; replaces alanine 972 with threonine.
Molecular consequence: missense variant.
Genome position (GRCh38, 1-based): chr7:55,200,381, G>A. VCF-style: chr7-55200381-G-A. GRCh37 (hg19) VCF-style: chr7-55268074-G-A.
Other names: c.2914G>A (NM_005228.3); c.2779G>A, p.Ala927Thr (NM_001346897.2, NM_001346899.2); c.2914G>A, p.Ala972Thr (NM_001346898.2); c.2755G>A, p.Ala919Thr (NM_001346900.2); c.2113G>A, p.Ala705Thr (NM_001346941.2); short protein forms A705T, A919T, A927T, A972T.
Identifiers: ClinVar variation 1055818 (VCV001055818.10), dbSNP rs2128969940, ClinGen allele CA367581958.

ClinVar aggregate classification (germline): Uncertain significance. Review status: criteria provided, multiple submitters, no conflicts (2 of 4 stars). 2 submissions from 2 submitters: Uncertain significance (2). Last evaluated 2025-01-14.

Conditions:
EGFR-related lung cancer (EGFR). Identifiers: MedGen CN130014.
Hereditary cancer-predisposing syndrome. Also called: Hereditary Cancer Syndrome; Tumor predisposition; Hereditary neoplastic syndrome; Neoplastic Syndromes, Hereditary. Identifiers: Orphanet 140162, MedGen C0027672, MeSH D009386, MONDO:0015356.

gnomAD v4.1: 8 of 1,614,078 alleles (0.0005%); highest among the groups gnomAD compares: Non-Finnish European, 0.00068%; no homozygotes.

Submissions (2):

Ambry Genetics
Classification: Uncertain significance for Hereditary cancer-predisposing syndrome. Last evaluated: 2025-01-14. Review status: criteria provided, single submitter. Criteria: Ambry Variant Classification Scheme 2023. Collection method: clinical testing. Allele origin: germline.
Comment: The p.A972T variant (also known as c.2914G>A), located in coding exon 24 of the EGFR gene, results from a G to A substitution at nucleotide position 2914. The alanine at codon 972 is replaced by threonine, an amino acid with similar properties. This amino acid position is conserved. In addition, the in silico prediction for this alteration is inconclusive. Based on the available evidence, the clinical significance of this variant remains unclear.

Labcorp Genetics (formerly Invitae), Labcorp
Classification: Uncertain significance for EGFR-related lung cancer. Last evaluated: 2024-04-29. Review status: criteria provided, single submitter. Criteria: Invitae Variant Classification Sherloc (09022015). Collection method: clinical testing. Allele origin: germline.
Comment: This sequence change replaces alanine, which is neutral and non-polar, with threonine, which is neutral and polar, at codon 972 of the EGFR protein (p.Ala972Thr). This variant is not present in population databases (gnomAD no frequency). This variant has not been reported in the literature in individuals affected with EGFR-related conditions. ClinVar contains an entry for this variant (Variation ID: 1055818). Advanced modeling of protein sequence and biophysical properties (such as structural, functional, and spatial information, amino acid conservation, physicochemical variation, residue mobility, and thermodynamic stability) performed at Invitae indicates that this missense variant is expected to disrupt EGFR protein function with a positive predictive value of 80%. In summary, the available evidence is currently insufficient to determine the role of this variant in disease. Therefore, it has been classified as a Variant of Uncertain Significance.